The following is an entry in ClinVar:

ClinVar aggregate classification (germline): Uncertain significance (1 of 4 stars; one submission).

gnomAD v4.1: 14 of 1,614,132 alleles (0.00087%); highest among the groups gnomAD compares: Admixed American, 0.005%; no homozygotes.

Submission:

CeGaT Center for Human Genetics Tuebingen
Classification: Uncertain significance. Last evaluated: 2025-10-01. Review status: criteria provided, single submitter. Criteria: CeGaT Center For Human Genetics Tuebingen Variant Classification Criteria Version 2. Collection method: clinical testing. Allele origin: germline. Affected: yes. Observed: 1 variant allele.
Comment: WDFY3: PM2

NM_014991.6(WDFY3):c.9440G>A (p.Arg3147His)

Gene: WDFY3 (WD repeat and FYVE domain containing 3; minus strand). Cytogenetic location: 4q21.23.
Variant type: single nucleotide variant.
Coding change: c.9440G>A on transcript NM_014991.6 (MANE Select); coding-DNA position 9440, G replaced by A.
Protein change: p.Arg3147His; replaces arginine 3147 with histidine.
Molecular consequence: missense variant.
Genome position (GRCh38, 1-based): chr4:84,688,189, C>T on the plus strand (G>A on the coding strand, the complement: WDFY3 is on the minus strand). VCF-style: chr4-84688189-C-T. GRCh37 (hg19) VCF-style: chr4-85609342-C-T.
Other names: short protein forms R3147H.
Identifiers: ClinVar variation 4534546 (VCV004534546.6).